The following is an entry in ClinVar:

ClinVar aggregate classification (germline): Uncertain significance (1 of 4 stars; one submission).

Allele frequency attached by ClinVar (database versions not stated): gnomAD exomes below 0.00001; TOPMed below 0.00001.
gnomAD v4.1: 1 of 1,530,572 alleles (0.000065%); highest among the groups gnomAD compares: Non-Finnish European, 0.000088%; no homozygotes.

Submission:

Labcorp Genetics (formerly Invitae), Labcorp
Classification: Uncertain significance. Last evaluated: 2021-11-10. Review status: criteria provided, single submitter. Criteria: Invitae Variant Classification Sherloc (09022015). Collection method: clinical testing. Allele origin: germline.
Comment: This sequence change replaces serine, which is neutral and polar, with cysteine, which is neutral and slightly polar, at codon 227 of the RASGRP1 protein (p.Ser227Cys). This variant is not present in population databases (gnomAD no frequency). This variant has not been reported in the literature in individuals affected with RASGRP1-related conditions. Algorithms developed to predict the effect of missense changes on protein structure and function are either unavailable or do not agree on the potential impact of this missense change (SIFT: "Deleterious"; PolyPhen-2: "Possibly Damaging"; Align-GVGD: "Class C15"). In summary, the available evidence is currently insufficient to determine the role of this variant in disease. Therefore, it has been classified as a Variant of Uncertain Significance.

NM_005739.4(RASGRP1):c.680C>G (p.Ser227Cys)

Gene: RASGRP1 (RAS guanyl releasing protein 1; minus strand). Cytogenetic location: 15q14.
Variant type: single nucleotide variant.
Coding change: c.680C>G on transcript NM_005739.4 (MANE Select); coding-DNA position 680, C replaced by G.
Protein change: p.Ser227Cys; replaces serine 227 with cysteine.
Molecular consequence: missense variant.
Genome position (GRCh38, 1-based): chr15:38,512,952, G>C on the plus strand (C>G on the coding strand, the complement: RASGRP1 is on the minus strand). VCF-style: chr15-38512952-G-C. GRCh37 (hg19) VCF-style: chr15-38805153-G-C.
Other names: c.680C>G, p.Ser227Cys (NM_001128602.2, NM_001306086.2); short protein forms S227C.
Identifiers: ClinVar variation 1392338 (VCV001392338.3), dbSNP rs1891597378, ClinGen allele CA391652051.